The following is an entry in ClinVar:

NM_032242.4(PLXNA1):c.1431C>A (p.Ser477Arg)

Gene: PLXNA1 (plexin A1; plus strand). Cytogenetic location: 3q21.3.
Variant type: single nucleotide variant.
Coding change: c.1431C>A on transcript NM_032242.4 (MANE Select); coding-DNA position 1431, C replaced by A.
Protein change: p.Ser477Arg; replaces serine 477 with arginine.
Molecular consequence: missense variant.
Genome position (GRCh38, 1-based): chr3:127,003,383, C>A. VCF-style: chr3-127003383-C-A. GRCh37 (hg19) VCF-style: chr3-126722226-C-A.
Other names: short protein forms S477R.
Identifiers: ClinVar variation 4992719 (VCV004992719.1).

ClinVar aggregate classification (germline): Uncertain significance (1 of 4 stars; one submission).

Conditions:
PLXNA1-related disorder. Also called: PLXNA1-related condition.

gnomAD v4.1: 1 of 1,611,784 alleles (0.000062%); highest among the groups gnomAD compares: African/African-American, 0.0013%; no homozygotes.

Submission:

PreventionGenetics, part of Exact Sciences
Classification: Uncertain significance for PLXNA1-related condition. Last evaluated: 2025-09-30. Review status: criteria provided, single submitter. Criteria: ACMG Guidelines, 2015. Collection method: clinical testing. Allele origin: germline.
Comment: The PLXNA1 c.1431C>A variant is predicted to result in the amino acid substitution p.Ser477Arg. To our knowledge, this variant has not been reported in the literature. This variant is reported in 0.011% of alleles in individuals of African descent in gnomAD. At this time, the clinical significance of this variant is uncertain due to the absence of conclusive functional and genetic evidence.